The following is an entry in ClinVar:

ClinVar aggregate classification (germline): Likely pathogenic (1 of 4 stars; one submission).

Submission:

Labcorp Genetics (formerly Invitae), Labcorp
Classification: Likely pathogenic. Last evaluated: 2024-05-27. Review status: criteria provided, single submitter. Criteria: Invitae Variant Classification Sherloc (09022015). Collection method: clinical testing. Allele origin: germline.
Comment: This sequence change affects an acceptor splice site in intron 27 of the COL4A2 gene. It is expected to disrupt RNA splicing. Variants that disrupt the donor or acceptor splice site typically lead to a loss of protein function (PMID: 16199547), and loss-of-function variants in COL4A2 are known to be pathogenic (PMID: 22333902, 30315939). This variant is not present in population databases (gnomAD no frequency). This variant has not been reported in the literature in individuals affected with COL4A2-related conditions. Algorithms developed to predict the effect of sequence changes on RNA splicing suggest that this variant may disrupt the consensus splice site. In summary, the currently available evidence indicates that the variant is pathogenic, but additional data are needed to prove that conclusively. Therefore, this variant has been classified as Likely Pathogenic.

Literature cited by the submitters: PubMed 16199547; PubMed 22333902; PubMed 30315939.

NM_001846.4(COL4A2):c.2096-2A>C

Gene: COL4A2 (collagen type IV alpha 2 chain; plus strand). Cytogenetic location: 13q34.
Variant type: single nucleotide variant.
Coding change: c.2096-2A>C on transcript NM_001846.4 (MANE Select); the canonical splice acceptor site of the intron before coding-DNA position 2096, A replaced by C.
Molecular consequence: splice acceptor variant.
Genome position (GRCh38, 1-based): chr13:110,469,215, A>C. VCF-style: chr13-110469215-A-C. GRCh37 (hg19) VCF-style: chr13-111121562-A-C.
Identifiers: ClinVar variation 3617990 (VCV003617990.2).